The following is an entry in ClinVar:

NM_001136191.3(KANK2):c.379A>G (p.Thr127Ala)

Gene: KANK2 (KN motif and ankyrin repeat domains 2; minus strand). Cytogenetic location: 19p13.2.
Variant type: single nucleotide variant.
Coding change: c.379A>G on transcript NM_001136191.3 (MANE Select); coding-DNA position 379, A replaced by G.
Protein change: p.Thr127Ala; replaces threonine 127 with alanine.
Molecular consequence: missense variant.
Genome position (GRCh38, 1-based): chr19:11,193,701, T>C on the plus strand (A>G on the coding strand, the complement: KANK2 is on the minus strand). VCF-style: chr19-11193701-T-C. GRCh37 (hg19) VCF-style: chr19-11304377-T-C.
Other names: c.379A>G, p.Thr127Ala (NM_001379555.1, NM_001379556.1, NM_001379557.1 and 15 more transcripts); c.379A>G (NM_015493.6); short protein forms T127A.
Identifiers: ClinVar variation 3604455 (VCV003604455.3).
Genomic context (GRCh38, chr19:11,193,701, plus strand): 5'-AGCCCAGGCCGGTGGGTGTGGCCGCCTGGTCCTCGAGACGGCGACGGGCATCCAGCAGCG[T>C]GCGCTCCACCCGCGGATTGAAGCCACCGCGGGTCTCCAGAGCACCATACTGAGGGTAGAA-3'
Protein context (NP_001129663.1, residues 117-137): RGGFNPRVER[Thr127Ala]LLDARRRLED

ClinVar aggregate classification (germline): Uncertain significance. Review status: criteria provided, multiple submitters, no conflicts (2 of 4 stars). 2 submissions from 2 submitters: Uncertain significance (2). Last evaluated 2025-01-01.

gnomAD v4.1: 25 of 1,611,496 alleles (0.0016%); highest among the groups gnomAD compares: Non-Finnish European, 0.002%; no homozygotes.

Submissions (2):

Ambry Genetics
Classification: Uncertain significance. Last evaluated: 2025-01-01. Review status: criteria provided, single submitter. Criteria: Ambry Variant Classification Scheme 2023. Collection method: clinical testing. Allele origin: germline.

Labcorp Genetics (formerly Invitae), Labcorp
Classification: Uncertain significance. Last evaluated: 2024-06-09. Review status: criteria provided, single submitter. Criteria: Invitae Variant Classification Sherloc (09022015). Collection method: clinical testing. Allele origin: germline.
Comment: This sequence change replaces threonine, which is neutral and polar, with alanine, which is neutral and non-polar, at codon 127 of the KANK2 protein (p.Thr127Ala). This variant is present in population databases (no rsID available, gnomAD 0.002%). This variant has not been reported in the literature in individuals affected with KANK2-related conditions. An algorithm developed to predict the effect of missense changes on protein structure and function (PolyPhen-2) suggests that this variant is likely to be disruptive. In summary, the available evidence is currently insufficient to determine the role of this variant in disease. Therefore, it has been classified as a Variant of Uncertain Significance.